The following is an entry in ClinVar:

ClinVar aggregate classification (germline): Uncertain significance (1 of 4 stars; one submission).

Conditions:
Cardiofaciocutaneous syndrome 1 (CFC1). Also called: BRAF-Related Cardiofaciocutaneous Syndrome; MAP2K1-Related Cardiofaciocutaneous Syndrome; KRAS-Related Cardiofaciocutaneous Syndrome; MAP2K2-Related Cardiofaciocutaneous Syndrome. Identifiers: Orphanet 1340, MedGen CN029449, MONDO:0007265, OMIM 115150. Disease mechanism: gain of function.

Submission:

Victorian Clinical Genetics Services, Murdoch Childrens Research Institute
Classification: Uncertain significance for Cardiofaciocutaneous syndrome 1. Last evaluated: 2021-05-06. Review status: criteria provided, single submitter. Criteria: ACMG Guidelines, 2015. Collection method: clinical testing. Allele origin: germline. Inheritance: Autosomal dominant inheritance. Affected: yes.
Comment: Based on the classification scheme VCGS_Germline_v1.3.4, this variant is classified as VUS-3B Following criteria are met: 0101 - Gain of function is a known mechanism of disease in this gene and is associated with Cardiofaciocutaneous syndrome (MIM#115150), LEOPARD syndrome (MIM#3613707), and Noonan syndrome (MIM#7613706). The phenotypes associated with this gene are variant-specific (PMID: 19206169). (I) 0107 - This gene is associated with autosomal dominant disease. (I) 0200 - Variant is predicted to result in a missense amino acid change from isoleucine to valine. (I) 0251 - This variant is heterozygous. (I) 0301 - Variant is absent from gnomAD (both v2 and v3). (SP) 0503 - Missense variant consistently predicted to be tolerated by multiple in silico tools or not conserved in placental mammals with a minor amino acid change. (SB) 0604 - Variant is not located in an established domain, motif, hotspot or informative constraint region. (I) 0705 - No comparable missense variants have previous evidence for pathogenicity. (I) 0807 - This variant has no previous evidence of pathogenicity. (I) 0905 - No published segregation evidence has been identified for this variant. (I) 1007 - No published functional evidence has been identified for this variant. (I) 1208 - Inheritance information for this variant is not currently available in this individual. (I) Legend: (SP) - Supporting pathogenic, (I) - Information, (SB) - Supporting benign

Literature cited by the submitters: PubMed 19206169.

NM_004333.6(BRAF):c.160A>G (p.Ile54Val)

Gene: BRAF (B-Raf proto-oncogene, serine/threonine kinase; minus strand). Cytogenetic location: 7q34.
Variant type: single nucleotide variant.
Coding change: c.160A>G on transcript NM_004333.6 (MANE Select); coding-DNA position 160, A replaced by G.
Protein change: p.Ile54Val; replaces isoleucine 54 with valine.
Molecular consequence: missense variant. On other transcripts: intron variant (1).
Genome position (GRCh38, 1-based): chr7:140,850,191, T>C on the plus strand (A>G on the coding strand, the complement: BRAF is on the minus strand). VCF-style: chr7-140850191-T-C. GRCh37 (hg19) VCF-style: chr7-140549991-T-C.
Other names: c.160A>G, p.Ile54Val (NM_001354609.2, NM_001374244.1, NM_001374258.1 and 6 more transcripts); c.4A>G, p.Ile2Val (NM_001378472.1, NM_001378473.1); c.139-15319A>G (NM_001378470.1); short protein forms I2V, I54V.
Identifiers: ClinVar variation 1804940 (VCV001804940.1), dbSNP rs2536570209, ClinGen allele CA369588018.
Genomic context (GRCh38, chr7:140,850,191, plus strand): 5'-GATTATGCTCCCCACCAAATTTGTCCAATAGGGCCTCTATATGTTCCTGTGTCAACTTAA[T>C]CATTTGTTTGATATTCCACACCTAAAAAATATTTCAAAAGAATTTAAATAAAAATCACTT-3'
Protein context (NP_004324.2, residues 44-64): PEEVWNIKQM[Ile54Val]KLTQEHIEAL